The following is an entry in ClinVar:

NM_003801.4(GPAA1):c.1658C>T (p.Pro553Leu)

Gene: GPAA1 (glycosylphosphatidylinositol anchor attachment 1; plus strand). Cytogenetic location: 8q24.3.
Variant type: single nucleotide variant.
Coding change: c.1658C>T on transcript NM_003801.4 (MANE Select); coding-DNA position 1658, C replaced by T.
Protein change: p.Pro553Leu; replaces proline 553 with leucine.
Molecular consequence: missense variant.
Genome position (GRCh38, 1-based): chr8:144,085,917, C>T. VCF-style: chr8-144085917-C-T. GRCh37 (hg19) VCF-style: chr8-145140820-C-T.
Other names: short protein forms P553L.
Identifiers: ClinVar variation 1034026 (VCV001034026.6), dbSNP rs372282426, ClinGen allele CA4933228.

ClinVar aggregate classification (germline): Uncertain significance. Review status: criteria provided, multiple submitters, no conflicts (2 of 4 stars). 4 submissions from 4 submitters: Uncertain significance (4). Last evaluated 2024-10-12.

Conditions:
Glycosylphosphatidylinositol biosynthesis defect 15. Also called: DEVELOPMENTAL DELAY, EPILEPSY, CEREBELLAR ATROPHY, AND OSTEOPENIA. Identifiers: Orphanet 529665, MedGen C4540520, MONDO:0060627, OMIM 617810.
Inborn genetic diseases. Identifiers: MedGen C0950123, MeSH D030342.

Allele frequency attached by ClinVar (database versions not stated): gnomAD exomes 0.00002 and 0.00005; ExAC 0.00004; gnomAD 0.00004 and 0.00005; TOPMed 0.00004; ESP Exome Variant Server 0.00016.
gnomAD v4.1: 82 of 1,609,218 alleles (0.0051%); highest among the groups gnomAD compares: Non-Finnish European, 0.0064%; no homozygotes.

Submissions (4):

Labcorp Genetics (formerly Invitae), Labcorp
Classification: Uncertain significance. Last evaluated: 2024-10-12. Review status: criteria provided, single submitter. Criteria: Invitae Variant Classification Sherloc (09022015). Collection method: clinical testing. Allele origin: germline.
Comment: This sequence change replaces proline, which is neutral and non-polar, with leucine, which is neutral and non-polar, at codon 553 of the GPAA1 protein (p.Pro553Leu). This variant is present in population databases (rs372282426, gnomAD 0.005%). This variant has not been reported in the literature in individuals affected with GPAA1-related conditions. ClinVar contains an entry for this variant (Variation ID: 1034026). Invitae Evidence Modeling of protein sequence and biophysical properties (such as structural, functional, and spatial information, amino acid conservation, physicochemical variation, residue mobility, and thermodynamic stability) indicates that this missense variant is not expected to disrupt GPAA1 protein function with a negative predictive value of 80%. In summary, the available evidence is currently insufficient to determine the role of this variant in disease. Therefore, it has been classified as a Variant of Uncertain Significance.

Ambry Genetics
Classification: Uncertain significance for Inborn genetic diseases. Last evaluated: 2024-04-15. Review status: criteria provided, single submitter. Criteria: Ambry Variant Classification Scheme 2023. Collection method: clinical testing. Allele origin: germline.

Blueprint Genetics
Classification: Uncertain significance. Last evaluated: 2022-11-16. Review status: criteria provided, single submitter. Criteria: ACMG Guidelines, 2015. Collection method: clinical testing. Allele origin: germline.

Baylor Genetics
Classification: Uncertain significance for Glycosylphosphatidylinositol biosynthesis defect 15. Last evaluated: 2018-07-31. Review status: criteria provided, single submitter. Criteria: ACMG Guidelines, 2015. Collection method: clinical testing. Allele origin: unknown. Affected: yes.
Comment: This variant was determined to be of uncertain significance according to ACMG Guidelines, 2015 [PMID:25741868].